The following is an entry in ClinVar:

NM_006031.6(PCNT):c.6363C>A (p.Asp2121Glu)

Gene: PCNT (pericentrin; plus strand). Cytogenetic location: 21q22.3.
Variant type: single nucleotide variant.
Coding change: c.6363C>A on transcript NM_006031.6 (MANE Select); coding-DNA position 6363, C replaced by A.
Protein change: p.Asp2121Glu; replaces aspartic acid 2121 with glutamic acid.
Molecular consequence: missense variant.
Genome position (GRCh38, 1-based): chr21:46,416,281, C>A. VCF-style: chr21-46416281-C-A. GRCh37 (hg19) VCF-style: chr21-47836195-C-A.
Other names: c.6009C>A, p.Asp2003Glu (NM_001315529.2); short protein forms D2003E, D2121E.
Identifiers: ClinVar variation 2633039 (VCV002633039.3), dbSNP rs1021656398, ClinGen allele CA321999988.

ClinVar aggregate classification (germline): Uncertain significance (0 of 4 stars; one submission).

Conditions:
PCNT-related disorder. Also called: PCNT-related condition.

Allele frequency attached by ClinVar (database versions not stated): gnomAD 0.00001; TOPMed 0.00001.

Submission:

PreventionGenetics, part of Exact Sciences
Classification: Uncertain significance for PCNT-related condition. Last evaluated: 2024-01-09. Review status: no assertion criteria provided. Collection method: clinical testing. Allele origin: germline.
Comment: The PCNT c.6363C>A variant is predicted to result in the amino acid substitution p.Asp2121Glu. To our knowledge, this variant has not been reported in the literature. This variant is reported in 0.0035% of alleles in individuals of European (Non-Finnish) descent in gnomAD. At this time, the clinical significance of this variant is uncertain due to the absence of conclusive functional and genetic evidence.